The following is an entry in ClinVar:

NM_006950.3(SYN1):c.755A>T (p.Tyr252Phe)

Gene: SYN1 (synapsin I; minus strand). Cytogenetic location: Xp11.23.
Variant type: single nucleotide variant.
Coding change: c.755A>T on transcript NM_006950.3 (MANE Select); coding-DNA position 755, A replaced by T.
Protein change: p.Tyr252Phe; replaces tyrosine 252 with phenylalanine.
Molecular consequence: missense variant.
Genome position (GRCh38, 1-based): chrX:47,604,997, T>A on the plus strand (A>T on the coding strand, the complement: SYN1 is on the minus strand). VCF-style: chrX-47604997-T-A. GRCh37 (hg19) VCF-style: chrX-47464396-T-A.
Other names: c.755A>T, p.Tyr252Phe (NM_133499.2); short protein forms Y252F.
Identifiers: ClinVar variation 1001820 (VCV001001820.9), dbSNP rs2057891950, ClinGen allele CA412823291.
Genomic context (GRCh38, chrX:47,604,997, plus strand): 5'-TGACTCTTCCCTCCTGCCCACTCTATTTTCCCCAAACTCACCATTTCTTTGTGATTGGGG[T>A]AGAAGGTCTGATCAATTAGAGGGAATTCTTCTGTCCCCAGTTTCTTATGCAGTCGAACCA-3'
Protein context (NP_008881.2, residues 242-262): EEFPLIDQTF[Tyr252Phe]PNHKEMLSST

ClinVar aggregate classification (germline): Uncertain significance (1 of 4 stars; one submission).

Conditions:
Epilepsy, X-linked 1, with variable learning disabilities and behavior disorders. Also called: X-linked epilepsy-learning disabilities-behavior disorders syndrome. Identifiers: Orphanet 85294, MedGen C5774177, MONDO:0010339, OMIM 300491.

Submission:

Labcorp Genetics (formerly Invitae), Labcorp
Classification: Uncertain significance for Epilepsy, X-linked 1, with variable learning disabilities and behavior disorders. Last evaluated: 2020-06-26. Review status: criteria provided, single submitter. Criteria: Invitae Variant Classification Sherloc (09022015). Collection method: clinical testing. Allele origin: germline.
Comment: Algorithms developed to predict the effect of missense changes on protein structure and function are either unavailable or do not agree on the potential impact of this missense change (SIFT: "Deleterious"; PolyPhen-2: "Probably Damaging"; Align-GVGD: "Class C0"). This sequence change replaces tyrosine with phenylalanine at codon 252 of the SYN1 protein (p.Tyr252Phe). The tyrosine residue is highly conserved and there is a small physicochemical difference between tyrosine and phenylalanine. This variant is not present in population databases (ExAC no frequency). This variant has not been reported in the literature in individuals with SYN1-related conditions. In summary, the available evidence is currently insufficient to determine the role of this variant in disease. Therefore, it has been classified as a Variant of Uncertain Significance.